The following is an entry in ClinVar:

ClinVar aggregate classification (germline): Uncertain significance. Review status: criteria provided, multiple submitters, no conflicts (2 of 4 stars). 3 submissions from 3 submitters: Uncertain significance (3). Last evaluated 2023-06-26.

Conditions:
Nijmegen breakage syndrome-like disorder (NBSLD). Also called: MICROCEPHALY AND SPONTANEOUS CHROMOSOME INSTABILITY WITHOUT IMMUNODEFICIENCY; NBS-LIKE DISORDER; RAD50 DEFICIENCY. Identifiers: Orphanet 240760, MedGen C2751318, MONDO:0013118, OMIM 613078.
Hereditary cancer-predisposing syndrome. Also called: Hereditary Cancer Syndrome; Neoplastic Syndromes, Hereditary; Tumor predisposition; Hereditary neoplastic syndrome. Identifiers: Orphanet 140162, MedGen C0027672, MeSH D009386, MONDO:0015356.

Allele frequency attached by ClinVar (database versions not stated): gnomAD exomes below 0.00001.
gnomAD v4.1: 2 of 1,614,084 alleles (0.00012%); highest among the groups gnomAD compares: Non-Finnish European, 0.00017%; no homozygotes.

Submissions (3):

Baylor Genetics
Classification: Uncertain significance for Nijmegen breakage syndrome-like disorder. Last evaluated: 2023-06-26. Review status: criteria provided, single submitter. Criteria: ACMG Guidelines, 2015. Collection method: clinical testing. Allele origin: unknown.

Ambry Genetics
Classification: Uncertain significance for Hereditary cancer-predisposing syndrome. Last evaluated: 2022-11-12. Review status: criteria provided, single submitter. Criteria: Ambry Variant Classification Scheme 2023. Collection method: clinical testing. Allele origin: germline.
Comment: The p.V1300M variant (also known as c.3898G>A), located in coding exon 25 of the RAD50 gene, results from a G to A substitution at nucleotide position 3898. The valine at codon 1300 is replaced by methionine, an amino acid with highly similar properties. This amino acid position is not well conserved in available vertebrate species. In addition, this alteration is predicted to be tolerated by in silico analysis. Since supporting evidence is limited at this time, the clinical significance of this alteration remains unclear.

Labcorp Genetics (formerly Invitae), Labcorp
Classification: Uncertain significance for Hereditary cancer-predisposing syndrome. Last evaluated: 2021-09-02. Review status: criteria provided, single submitter. Criteria: Invitae Variant Classification Sherloc (09022015). Collection method: clinical testing. Allele origin: germline.
Comment: This sequence change replaces valine with methionine at codon 1300 of the RAD50 protein (p.Val1300Met). The valine residue is weakly conserved and there is a small physicochemical difference between valine and methionine. This variant is not present in population databases (ExAC no frequency). This variant has not been reported in the literature in individuals affected with RAD50-related conditions. ClinVar contains an entry for this variant (Variation ID: 480431). Algorithms developed to predict the effect of missense changes on protein structure and function (SIFT, PolyPhen-2, Align-GVGD) all suggest that this variant is likely to be tolerated. In summary, the available evidence is currently insufficient to determine the role of this variant in disease. Therefore, it has been classified as a Variant of Uncertain Significance.

NM_005732.4(RAD50):c.3898G>A (p.Val1300Met)

Genes: RAD50 (RAD50 double strand break repair protein; plus strand), TH2LCRR (T helper type 2 locus control region associated RNA; minus strand). Cytogenetic location: 5q31.1.
Variant type: single nucleotide variant.
Coding change: c.3898G>A on transcript NM_005732.4 (MANE Select); coding-DNA position 3898, G replaced by A.
Protein change: p.Val1300Met; replaces valine 1300 with methionine.
Molecular consequence: missense variant.
Genome position (GRCh38, 1-based): chr5:132,642,323, G>A. VCF-style: chr5-132642323-G-A. GRCh37 (hg19) VCF-style: chr5-131978015-G-A.
Other names: short protein forms V1300M.
Identifiers: ClinVar variation 480431 (VCV000480431.13), dbSNP rs1554101335, ClinGen allele CA360937366.